The following is an entry in ClinVar:

ClinVar aggregate classification (germline): Likely benign (0 of 4 stars; one submission).

Conditions:
NEFH-related disorder. Also called: NEFH-related condition.

Submission:

PreventionGenetics, part of Exact Sciences
Classification: Likely benign for NEFH-related condition. Last evaluated: 2019-05-22. Review status: no assertion criteria provided. Collection method: clinical testing. Allele origin: germline.
Comment: This variant is classified as likely benign based on ACMG/AMP sequence variant interpretation guidelines (Richards et al. 2015 PMID: 25741868, with internal and published modifications).

NM_021076.4(NEFH):c.2193G>A (p.Lys731=)

Gene: NEFH (neurofilament heavy chain; plus strand). Cytogenetic location: 22q12.2.
Variant type: single nucleotide variant.
Coding change: c.2193G>A on transcript NM_021076.4 (MANE Select); coding-DNA position 2193, G replaced by A.
Protein change: p.Lys731=; no amino-acid change (lysine 731 retained).
Molecular consequence: synonymous variant.
Genome position (GRCh38, 1-based): chr22:29,489,833, G>A. VCF-style: chr22-29489833-G-A. GRCh37 (hg19) VCF-style: chr22-29885822-G-A.
Identifiers: ClinVar variation 3039610 (VCV003039610.2), dbSNP rs2517978537, ClinGen allele CA514339006.